The following is an entry in ClinVar:

ClinVar aggregate classification (germline): Uncertain significance (1 of 4 stars; one submission).

Conditions:
Peroxisome biogenesis disorder, complementation group K (CGK). Identifiers: MedGen C1866257, MONDO:0800365.

Allele frequency attached by ClinVar (database versions not stated): gnomAD exomes below 0.00001; TOPMed below 0.00001; gnomAD 0.00001.
gnomAD v4.1: 8 of 1,612,974 alleles (0.0005%); highest among the groups gnomAD compares: African/African-American, 0.0013%; no homozygotes.

Submission:

Labcorp Genetics (formerly Invitae), Labcorp
Classification: Uncertain significance for Peroxisome biogenesis disorder, complementation group K. Last evaluated: 2022-08-15. Review status: criteria provided, single submitter. Criteria: Invitae Variant Classification Sherloc (09022015). Collection method: clinical testing. Allele origin: germline.
Comment: This sequence change replaces glutamic acid, which is acidic and polar, with lysine, which is basic and polar, at codon 215 of the PEX14 protein (p.Glu215Lys). This variant is present in population databases (no rsID available, gnomAD 0.03%). This variant has not been reported in the literature in individuals affected with PEX14-related conditions. ClinVar contains an entry for this variant (Variation ID: 864642). Algorithms developed to predict the effect of missense changes on protein structure and function are either unavailable or do not agree on the potential impact of this missense change (SIFT: "Tolerated"; PolyPhen-2: "Possibly Damaging"; Align-GVGD: "Class C0"). In summary, the available evidence is currently insufficient to determine the role of this variant in disease. Therefore, it has been classified as a Variant of Uncertain Significance.

NM_004565.3(PEX14):c.643G>A (p.Glu215Lys)

Gene: PEX14 (peroxisomal biogenesis factor 14; plus strand). Cytogenetic location: 1p36.22.
Variant type: single nucleotide variant.
Coding change: c.643G>A on transcript NM_004565.3 (MANE Select); coding-DNA position 643, G replaced by A.
Protein change: p.Glu215Lys; replaces glutamic acid 215 with lysine.
Molecular consequence: missense variant.
Genome position (GRCh38, 1-based): chr1:10,627,329, G>A. VCF-style: chr1-10627329-G-A. GRCh37 (hg19) VCF-style: chr1-10687386-G-A.
Other names: short protein forms E215K.
Identifiers: ClinVar variation 864642 (VCV000864642.7), dbSNP rs1370410030, ClinGen allele CA338336605.
Genomic context (GRCh38, chr1:10,627,329, plus strand): 5'-CAGGCCACCACATCCACCAACTGGATCCTGGAGTCCCAGAATATCAACGAACTCAAGTCC[G>A]AAATTAACTCCTTGAAAGGGCTTCTTTTAAATCGGTAGGAGGGAGGAATGGGGACCCTGT-3'
Protein context (NP_004556.1, residues 205-225): ESQNINELKS[Glu215Lys]INSLKGLLLN